The following is an entry in ClinVar:

ClinVar aggregate classification (germline): Benign/Likely benign. Review status: criteria provided, multiple submitters, no conflicts (2 of 4 stars). 4 submissions from 4 submitters: Benign (2); Likely benign (1). 1 of the submissions does not count toward it. Last evaluated 2026-02-04.

Conditions:
MHC class I deficiency. Identifiers: Orphanet 34592, MedGen C6024714, MONDO:0011476.
TAP2-related disorder. Also called: TAP2-related condition.

Allele frequency attached by ClinVar (database versions not stated): ESP Exome Variant Server 0.02845; gnomAD 0.03652 and 0.03945; TOPMed 0.03924; gnomAD exomes 0.04482 and 0.05764; ExAC 0.06194; 1000 Genomes Project 30x 0.06512; 1000 Genomes Project 0.06550.
gnomAD v4.1: 71,474 of 1,612,762 alleles (4.4%); highest among the groups gnomAD compares: East Asian, 15%; 2,168 homozygotes.

Submissions (20):

Labcorp Genetics (formerly Invitae), Labcorp
Classification: Benign for MHC class I deficiency 1. Last evaluated: 2026-02-04. Review status: criteria provided, single submitter. Criteria: Invitae Variant Classification Sherloc (09022015). Collection method: clinical testing. Allele origin: germline.

Women's Health and Genetics/Laboratory Corporation of America, LabCorp
Classification: Benign. Last evaluated: 2026-01-21. Review status: criteria provided, single submitter. Criteria: LabCorp Variant Classification Summary - May 2015. Collection method: clinical testing. Allele origin: germline.

Blueprint Genetics
Classification: Likely benign. Last evaluated: 2024-11-26. Review status: criteria provided, single submitter. Criteria: ACMG Guidelines, 2015. Collection method: clinical testing. Allele origin: germline.

PreventionGenetics, part of Exact Sciences
Classification: Benign for TAP2-related condition. Last evaluated: 2019-09-23. Review status: no assertion criteria provided. Collection method: clinical testing. Allele origin: germline. Not counted in ClinVar's aggregate classification.
Comment: This variant is classified as benign based on ACMG/AMP sequence variant interpretation guidelines (Richards et al. 2015 PMID: 25741868, with internal and published modifications).

Dr. Peter K. Rogan Lab, Western University
No classification provided (evidence only). Condition: Acute myeloid leukemia. Review status: no classification provided. Collection method: in vitro. Allele origin: not applicable. Functional consequence: retained intron. Not counted in ClinVar's aggregate classification.

Dr. Peter K. Rogan Lab, Western University
No classification provided (evidence only). Condition: Acute myeloid leukemia. Review status: no classification provided. Collection method: in vitro. Allele origin: not applicable. Functional consequence: retained intron. Not counted in ClinVar's aggregate classification.

Dr. Peter K. Rogan Lab, Western University
No classification provided (evidence only). Condition: Acute myeloid leukemia. Review status: no classification provided. Collection method: in vitro. Allele origin: not applicable. Functional consequence: retained intron. Not counted in ClinVar's aggregate classification.

Dr. Peter K. Rogan Lab, Western University
No classification provided (evidence only). Condition: Acute myeloid leukemia. Review status: no classification provided. Collection method: in vitro. Allele origin: not applicable. Functional consequence: retained intron. Not counted in ClinVar's aggregate classification.

Dr. Peter K. Rogan Lab, Western University
No classification provided (evidence only). Condition: Acute myeloid leukemia. Review status: no classification provided. Collection method: in vitro. Allele origin: not applicable. Functional consequence: retained intron. Not counted in ClinVar's aggregate classification.

Dr. Peter K. Rogan Lab, Western University
No classification provided (evidence only). Condition: Acute myeloid leukemia. Review status: no classification provided. Collection method: in vitro. Allele origin: not applicable. Functional consequence: retained intron. Not counted in ClinVar's aggregate classification.

Dr. Peter K. Rogan Lab, Western University
No classification provided (evidence only). Condition: Acute myeloid leukemia. Review status: no classification provided. Collection method: in vitro. Allele origin: not applicable. Functional consequence: retained intron. Not counted in ClinVar's aggregate classification.

Dr. Peter K. Rogan Lab, Western University
No classification provided (evidence only). Condition: Acute myeloid leukemia. Review status: no classification provided. Collection method: in vitro. Allele origin: not applicable. Functional consequence: retained intron. Not counted in ClinVar's aggregate classification.

Dr. Peter K. Rogan Lab, Western University
No classification provided (evidence only). Condition: Acute myeloid leukemia. Review status: no classification provided. Collection method: in vitro. Allele origin: not applicable. Functional consequence: retained intron. Not counted in ClinVar's aggregate classification.

Dr. Peter K. Rogan Lab, Western University
No classification provided (evidence only). Condition: Uterine corpus endometrial carcinoma. Review status: no classification provided. Collection method: in vitro. Allele origin: not applicable. Functional consequence: skipped exon. Not counted in ClinVar's aggregate classification.

Dr. Peter K. Rogan Lab, Western University
No classification provided (evidence only). Condition: Malignant lymphoma, large B-cell, diffuse. Review status: no classification provided. Collection method: in vitro. Allele origin: not applicable. Functional consequence: skipped exon, retained intron. Not counted in ClinVar's aggregate classification.

Dr. Peter K. Rogan Lab, Western University
No classification provided (evidence only). Condition: Malignant lymphoma, large B-cell, diffuse. Review status: no classification provided. Collection method: in vitro. Allele origin: not applicable. Functional consequence: retained intron. Not counted in ClinVar's aggregate classification.

Dr. Peter K. Rogan Lab, Western University
No classification provided (evidence only). Condition: Thymoma. Review status: no classification provided. Collection method: in vitro. Allele origin: not applicable. Functional consequence: retained intron. Not counted in ClinVar's aggregate classification.

Dr. Peter K. Rogan Lab, Western University
No classification provided (evidence only). Condition: Cholangiocarcinoma. Review status: no classification provided. Collection method: in vitro. Allele origin: not applicable. Functional consequence: retained intron. Not counted in ClinVar's aggregate classification.

Dr. Peter K. Rogan Lab, Western University
No classification provided (evidence only). Condition: Cholangiocarcinoma. Review status: no classification provided. Collection method: in vitro. Allele origin: not applicable. Functional consequence: skipped exon. Not counted in ClinVar's aggregate classification.

Dr. Peter K. Rogan Lab, Western University
No classification provided (evidence only). Condition: Uterine carcinosarcoma. Review status: no classification provided. Collection method: in vitro. Allele origin: not applicable. Functional consequence: skipped exon. Not counted in ClinVar's aggregate classification.

NM_001290043.2(TAP2):c.608+8G>A

Genes: TAP2 (transporter 2, ATP binding cassette subfamily B member; minus strand), LOC107648851 (meiotic recombination hotspot TAP2; plus strand). Cytogenetic location: 6p21.32.
Variant type: single nucleotide variant.
Coding change: c.608+8G>A on transcript NM_001290043.2 (MANE Select); 8 bases into the intron after coding-DNA position 608, G replaced by A.
Molecular consequence: intron variant.
Genome position (GRCh38, 1-based): chr6:32,837,529, C>T on the plus strand (G>A on the coding strand, the complement: TAP2 is on the minus strand). VCF-style: chr6-32837529-C-T. GRCh37 (hg19) VCF-style: chr6-32805306-C-T.
Other names: c.608+8G>A (NM_018833.3, NM_000544.3).
Identifiers: ClinVar variation 1168814 (VCV001168814.14), dbSNP rs2071467, ClinGen allele CA3746122.